The following is an entry in ClinVar:

NM_000019.3(ACAT1):c.*753C>T

Gene: ACAT1 (acetyl-CoA acetyltransferase 1; plus strand). Cytogenetic location: 11q22.3.
Variant type: single nucleotide variant.
Coding change: c.*753C>T on transcript NM_000019.3; 753 bases downstream of the stop codon, C replaced by T.
Genome position (GRCh38, 1-based): chr11:108,148,143, C>T. VCF-style: chr11-108148143-C-T. GRCh37 (hg19) VCF-style: chr11-108018870-C-T.
Identifiers: ClinVar variation 302232 (VCV000302232.7), dbSNP rs186239800, ClinGen allele CA10636986.
Genomic context (GRCh38, chr11:108,148,143, plus strand): 5'-CCACTTCCAATACACGACAATGCCTGTTCTTAAGCAGGACAGACTGTAACAGAAGTATCT[C>T]GCATTGCATTTTATCTGGGAAAAAATTAATTAATTAAAACGCTACAGGCAGGGGCTATGC-3'

ClinVar aggregate classification (germline): Likely benign (1 of 4 stars; one submission).

Conditions:
Deficiency of acetyl-CoA acetyltransferase. Also called: Beta-ketothiolase deficiency; 3-KETOTHIOLASE DEFICIENCY; 3-OXOTHIOLASE DEFICIENCY; MITOCHONDRIAL ACETOACETYL-CoA THIOLASE DEFICIENCY. Identifiers: Orphanet 134, MedGen C1536500, MONDO:0008760, OMIM 203750. Disease mechanism: loss of function.

Allele frequency attached by ClinVar (database versions not stated): TOPMed 0.00043; gnomAD 0.00036 and 0.00043; 1000 Genomes Project 30x 0.00187; 1000 Genomes Project 0.00220.

Submission:

Illumina Laboratory Services, Illumina
Classification: Likely benign for Deficiency of acetyl-CoA acetyltransferase. Last evaluated: 2018-01-12. Review status: criteria provided, single submitter. Criteria: ICSL Variant Classification Criteria 13 December 2019. Collection method: clinical testing. Allele origin: germline.
Comment: This variant was observed in the ICSL laboratory as part of a predisposition screen in an ostensibly healthy population. It had not been previously curated by ICSL or reported in the Human Gene Mutation Database (HGMD: prior to June 1st, 2018), and was therefore a candidate for classification through an automated scoring system. Utilizing variant allele frequency, disease prevalence and penetrance estimates, and inheritance mode, an automated score was calculated to assess if this variant is too frequent to cause the disease. Based on the score and internal cut-off values, a variant classified as likely benign is not then subjected to further curation. The score for this variant resulted in a classification of likely benign for this disease.